The following is an entry in ClinVar:

ClinVar aggregate classification (germline): Pathogenic. Review status: criteria provided, multiple submitters, no conflicts (2 of 4 stars). 16 submissions from 16 submitters: Pathogenic (9). 7 of the submissions do not count toward it. Last evaluated 2026-02-04.

Conditions:
DHCR7-related disorder. Also called: DHCR7-related condition.
Smith-Lemli-Opitz syndrome (SLOS). Also called: LETHAL ACRODYSGENITAL SYNDROME; POLYDACTYLY, SEX REVERSAL, RENAL HYPOPLASIA, AND UNILOBAR LUNG; RSH SYNDROME; RUTLEDGE LETHAL MULTIPLE CONGENITAL ANOMALY SYNDROME; 7-Dehydrocholesterol reductase deficiency. Identifiers: Orphanet 818, MedGen C0175694, MONDO:0010035, OMIM 270400.
Microcephaly. Also called: Microcephaly (disease). Identifiers: MedGen C4551563, MONDO:0001149, HP:0000252.

Allele frequency attached by ClinVar (database versions not stated): ExAC 0.00002; gnomAD exomes 0.00002 and 0.00001; TOPMed 0.00002; gnomAD 0.00001.
gnomAD v4.1: 29 of 1,611,952 alleles (0.0018%); highest among the groups gnomAD compares: South Asian, 0.0033%; no homozygotes.

Submissions (16):

Labcorp Genetics (formerly Invitae), Labcorp
Classification: Pathogenic for Smith-Lemli-Opitz syndrome. Last evaluated: 2026-02-04. Review status: criteria provided, single submitter. Criteria: Invitae Variant Classification Sherloc (09022015). Collection method: clinical testing. Allele origin: germline.
Comment: This sequence change replaces arginine, which is basic and polar, with tryptophan, which is neutral and slightly polar, at codon 352 of the DHCR7 protein (p.Arg352Trp). This variant is present in population databases (rs80338860, gnomAD 0.004%). This missense change has been observed in individual(s) with Smith-Lemli-Opitz syndrome (PMID: 9653161, 15521979, 18006960; internal data). In at least one individual the data is consistent with being in trans (on the opposite chromosome) from a pathogenic variant. ClinVar contains an entry for this variant (Variation ID: 6787). Invitae Evidence Modeling of protein sequence and biophysical properties (such as structural, functional, and spatial information, amino acid conservation, physicochemical variation, residue mobility, and thermodynamic stability) indicates that this missense variant is expected to disrupt DHCR7 protein function with a positive predictive value of 95%. Experimental studies have shown that this missense change affects DHCR7 function (PMID: 9653161). This variant disrupts the p.Arg352 amino acid residue in DHCR7. Other variant(s) that disrupt this residue have been determined to be pathogenic (PMID: 16044199, 17441222, 21696385). This suggests that this residue is clinically significant, and that variants that disrupt this residue are likely to be disease-causing. For these reasons, this variant has been classified as Pathogenic.

Natera, Inc.
Classification: Pathogenic for Smith-Lemli-Opitz syndrome. Last evaluated: 2025-11-13. Review status: criteria provided, single submitter. Criteria: Natera Variant Classification Schema (03/2026). Collection method: clinical testing. Allele origin: germline.
Comment: The c.1054C>T variant in DHCR7 is a missense variant predicted to cause substitution of arginine to tryptophan at amino acid 352. This variant is rare in the general population with a frequency below the threshold expected for the associated phenotype(s). This variant has been observed in one or more individuals affected with the associated recessive disease, as either homozygous or compound heterozygous with a second variant (PMID: 15805162). Computational prediction algorithms indicate this variant is likely to affect gene or protein function. Given the available evidence, this variant is classified as Pathogenic.

Fulgent Genetics
Classification: Pathogenic for Smith-Lemli-Opitz syndrome. Last evaluated: 2024-06-06. Review status: criteria provided, single submitter. Criteria: ACMG Guidelines, 2015. Collection method: clinical testing. Allele origin: germline.

GeneDx
Classification: Pathogenic. Last evaluated: 2022-06-30. Review status: criteria provided, single submitter. Criteria: GeneDx Variant Classification Process June 2021. Collection method: clinical testing. Allele origin: germline. Affected: yes.
Comment: Expression studies found that this variant is associated with significantly decreased DHCR7 protein expression (Fitzky BU et al., 1998); Not observed at a significant frequency in large population cohorts (gnomAD); In silico analysis supports that this missense variant has a deleterious effect on protein structure/function; This variant is associated with the following publications: (PMID: 10602371, 15952211, 16207203, 18006960, 16983147, 21696385, 17441222, 16044199, 20301322, 31840946, 22975760, 11175299, 15521979, 9653161, 25040602, 23042628)

Women's Health and Genetics/Laboratory Corporation of America, LabCorp
Classification: Pathogenic for Smith-Lemli-Opitz syndrome. Last evaluated: 2018-12-10. Review status: criteria provided, single submitter. Criteria: LabCorp Variant Classification Summary - May 2015. Collection method: clinical testing. Allele origin: germline.
Comment: Variant summary: DHCR7 c.1054C>T (p.Arg352Trp) results in a non-conservative amino acid change in the encoded protein sequence. Five of five in-silico tools predict a damaging effect of the variant on protein function. The variant allele was found at a frequency of 1.8e-05 in 275158 control chromosomes (gnomAD). The variant, c.1054C>T, has been reported in the literature in multiple individuals affected with Smith-Lemli-Opitz Syndrome (Fitzky_1998, Witsch-Baumgartner_2001, Waterham_2012). These data indicate that the variant is very likely to be associated with disease. At least one publication reports experimental evidence showing more than 90% reduction in protein expression associated with this variant (Fitzky_1998). Four clinical diagnostic laboratories have submitted clinical-significance assessments for this variant to ClinVar after 2014 without evidence for independent evaluation. All laboratories classified the variant as pathogenic. Based on the evidence outlined above, the variant was classified as pathogenic.

Payam Genetics Center, General Welfare Department of North Khorasan Province
Classification: Pathogenic for Smith-Lemli-Opitz syndrome. Last evaluated: 2017-11-01. Review status: criteria provided, single submitter. Criteria: ACMG Guidelines, 2015. Collection method: clinical testing. Allele origin: germline. Affected: yes. Observed: 4 variant alleles.
Comment: The DHCR7 c.1054C>T (p.Arg352Trp) results is a missense mutation and results in a disfunctional protein, predicted to lead to disease.This variant is not present in Iranom. We classified this variant as Pathogenic according to our clinical evidence from this family.

Eurofins Ntd Llc (ga)
Classification: Pathogenic. Last evaluated: 2017-01-19. Review status: criteria provided, single submitter. Criteria: EGL Classification Definitions 2015. Collection method: clinical testing. Allele origin: germline. Observed: 1 variant allele, 1 heterozygote.

Clinical Genetics Service, Universitary Hospital 12 de Octubre
Classification: Pathogenic for Smith-Lemli-Opitz syndrome. Review status: criteria provided, single submitter. Criteria: ACMG Guidelines, 2015. Collection method: clinical testing. Allele origin: maternal. Affected: yes.

Imagene.me medical diagnostic laboratory, IMAGENE.ME SA
Classification: Pathogenic for Smith-Lemli-Opitz syndrome. Review status: criteria provided, single submitter. Criteria: IMAGENE.ME Variant Classification SOP 2022. Collection method: clinical testing. Allele origin: germline. Affected: yes.
Comment: Classified according to the IMAGENE.ME variant classification SOP based on the ACMG guidelines as Pathogenic (P): PS3_Supporting + PS4 + PM5_Supporting + PM2 + PP3_Moderate + PP4_Strong + PP5

PreventionGenetics, part of Exact Sciences
Classification: Pathogenic for DHCR7-related condition. Last evaluated: 2024-09-17. Review status: no assertion criteria provided. Collection method: clinical testing. Allele origin: germline. Not counted in ClinVar's aggregate classification.
Comment: The DHCR7 c.1054C>T variant is predicted to result in the amino acid substitution p.Arg352Trp. This variant has been reported alone or with a second DHCR7 variant in individuals with Smith-Lemli-Opitz syndrome (see for example, Fitzky et al 1998. PubMed ID: 9653161; Witsch-Baumgartner et al 2001. PubMed ID: 11175299; Pappu et al 2006. PubMed ID: 16983147). In vitro experimental studies suggest this variant impacts protein function (Fitzky et al 1998. PubMed ID: 9653161). Alternative nucleotide changes affecting the same amino acid (p.Arg352Gln, p.Arg352Leu) have also been reported in individuals with Smith-Lemli-Opitz syndrome (Witsch-Baumgartner et al. 2000. PubMed ID: 10677299; Al-Owain et al. 2012. PubMed ID: 21696385). This variant is reported in 0.0040% of alleles in individuals of African descent in gnomAD. This variant is interpreted as pathogenic.

Counsyl
Classification: Pathogenic for Smith-Lemli-Opitz syndrome. Last evaluated: 2015-06-14. Review status: no assertion criteria provided. Collection method: clinical testing. Allele origin: unknown. Not counted in ClinVar's aggregate classification.

OMIM
Classification: Pathogenic for SMITH-LEMLI-OPITZ SYNDROME. Last evaluated: 2001-01-01. Review status: no assertion criteria provided. Collection method: literature only. Allele origin: germline. Not counted in ClinVar's aggregate classification.

Department of Pediatrics, Samsung Medical Center, Samsung Medical Center
Classification: Uncertain significance for Microcephaly. Review status: no assertion criteria provided. Criteria: ACMG Guidelines, 2015. Collection method: research. Allele origin: germline. Affected: yes. Not counted in ClinVar's aggregate classification.

Diagnostic Laboratory, Department of Genetics, University Medical Center Groningen
Classification: Pathogenic. Review status: no assertion criteria provided. Collection method: clinical testing. Allele origin: germline. Affected: yes. Study: VKGL Data-share Consensus. Not counted in ClinVar's aggregate classification.

GeneReviews
No classification provided. Condition: Smith-Lemli-Opitz syndrome. Review status: no classification provided. Collection method: literature only. Allele origin: unknown. Not counted in ClinVar's aggregate classification.

Joint Genome Diagnostic Labs from Nijmegen and Maastricht, Radboudumc and MUMC+
Classification: Likely pathogenic. Review status: no assertion criteria provided. Collection method: clinical testing. Allele origin: germline. Affected: yes. Study: VKGL Data-share Consensus. Not counted in ClinVar's aggregate classification.

Literature cited by the submitters: PubMed 9653161 (cited by 3 submitters); PubMed 15521979 (cited by Labcorp Genetics (formerly Invitae), Labcorp); PubMed 18006960 (cited by Labcorp Genetics (formerly Invitae), Labcorp); PubMed 16044199 (cited by Labcorp Genetics (formerly Invitae), Labcorp); PubMed 17441222 (cited by Labcorp Genetics (formerly Invitae), Labcorp); PubMed 21696385 (cited by Labcorp Genetics (formerly Invitae), Labcorp); PubMed 15805162 (cited by Natera, Inc.); PubMed 11175299 (cited by 5 submitters); PubMed 23042628 (cited by Women's Health and Genetics/Laboratory Corporation of America, LabCorp); PubMed 16207203 (cited by Eurofins Ntd Llc (ga) and GeneReviews); PubMed 17965227 (cited by Eurofins Ntd Llc (ga)); PubMed 25040602 (cited by Eurofins Ntd Llc (ga)); PubMed 10602371 (cited by Counsyl); PubMed 15952211 (cited by Counsyl); PubMed 10814720 (cited by Counsyl); PubMed 16983147 (cited by Counsyl); PubMed 20301322 (cited by GeneReviews); NCBI Bookshelf NBK1143 (cited by GeneReviews).

NM_001360.3(DHCR7):c.1054C>T (p.Arg352Trp)

Gene: DHCR7 (7-dehydrocholesterol reductase; minus strand). Cytogenetic location: 11q13.4.
Variant type: single nucleotide variant.
Coding change: c.1054C>T on transcript NM_001360.3 (MANE Select); coding-DNA position 1054, C replaced by T.
Protein change: p.Arg352Trp; replaces arginine 352 with tryptophan.
Molecular consequence: missense variant.
Genome position (GRCh38, 1-based): chr11:71,435,749, G>A on the plus strand (C>T on the coding strand, the complement: DHCR7 is on the minus strand). VCF-style: chr11-71435749-G-A. GRCh37 (hg19) VCF-style: chr11-71146795-G-A.
Other names: c.1054C>T, p.Arg352Trp (NM_001163817.2); short protein forms R352W.
Identifiers: ClinVar variation 6787 (VCV000006787.42), dbSNP rs80338860, ClinGen allele CA340612.
Genomic context (GRCh38, chr11:71,435,749, plus strand): 5'-CCCAGATGAGGCAGCGCCCATCCGTGCGGCGGAACAGGTCCTTCTGGTGGTTGGCCACCC[G>A]GAAGATGTAGTAGCCCACCAGGCCCAGCAGCAGGACGCCCACGGCGTGCGGGGTGGACAG-3'
Protein context (NP_001351.2, residues 342-362): LLGLVGYYIF[Arg352Trp]VANHQKDLFR